The following is an entry in ClinVar:

NM_000377.3(WAS):c.249C>A (p.Tyr83Ter)

Gene: WAS (WASP actin nucleation promoting factor; plus strand). Cytogenetic location: Xp11.23.
Variant type: single nucleotide variant.
Coding change: c.249C>A on transcript NM_000377.3 (MANE Select); coding-DNA position 249, C replaced by A.
Protein change: p.Tyr83Ter; replaces tyrosine 83 with a stop codon.
Molecular consequence: nonsense.
Genome position (GRCh38, 1-based): chrX:48,684,399, C>A. VCF-style: chrX-48684399-C-A. GRCh37 (hg19) VCF-style: chrX-48542788-C-A.
Other names: short protein forms Y83*.
Identifiers: ClinVar variation 424355 (VCV000424355.4), dbSNP rs368151220, ClinGen allele CA16621417.

ClinVar aggregate classification (germline): Pathogenic (1 of 4 stars; one submission).

Submission:

GeneDx
Classification: Pathogenic. Last evaluated: 2019-05-15. Review status: criteria provided, single submitter. Criteria: GeneDx Variant Classification Process June 2021. Collection method: clinical testing. Allele origin: germline. Affected: yes.
Comment: Nonsense variant predicted to result in protein truncation or nonsense mediated decay in a gene for which loss-of-function is a known mechanism of disease; Not observed in large population cohorts (Lek et al., 2016); Has not been previously published as pathogenic or benign to our knowledge